The following is an entry in ClinVar:

ClinVar aggregate classification (germline): Uncertain significance (1 of 4 stars; one submission).

Conditions:
Psoriasis 2. Identifiers: MedGen C1864497, MONDO:0011269, OMIM 602723.
Pityriasis rubra pilaris (PRP). Also called: Pityriasis rubra pilaris--familial type. Identifiers: Orphanet 2897, MedGen C0032027, MONDO:0100017, OMIM 173200, MONDO:0008251.

Allele frequency attached by ClinVar (database versions not stated): gnomAD 0.00001; gnomAD exomes 0.00001; TOPMed 0.00002; ExAC 0.00003; ESP Exome Variant Server 0.00008.
gnomAD v4.1: 8 of 1,581,650 alleles (0.00051%); highest among the groups gnomAD compares: Non-Finnish European, 0.00069%; no homozygotes.

Submission:

Labcorp Genetics (formerly Invitae), Labcorp
Classification: Uncertain significance for Pityriasis rubra pilaris; Psoriasis 2. Last evaluated: 2023-02-27. Review status: criteria provided, single submitter. Criteria: Invitae Variant Classification Sherloc (09022015). Collection method: clinical testing. Allele origin: germline.
Comment: This sequence change replaces aspartic acid, which is acidic and polar, with glutamic acid, which is acidic and polar, at codon 794 of the CARD14 protein (p.Asp794Glu). This variant is present in population databases (rs141954518, gnomAD 0.006%). This variant has not been reported in the literature in individuals affected with CARD14-related conditions. Advanced modeling of protein sequence and biophysical properties (such as structural, functional, and spatial information, amino acid conservation, physicochemical variation, residue mobility, and thermodynamic stability) performed at Invitae indicates that this missense variant is not expected to disrupt CARD14 protein function. In summary, the available evidence is currently insufficient to determine the role of this variant in disease. Therefore, it has been classified as a Variant of Uncertain Significance.

NM_001366385.1(CARD14):c.2382C>G (p.Asp794Glu)

Genes: CARD14 (caspase recruitment domain family member 14; plus strand), SGSH (N-sulfoglucosamine sulfohydrolase; minus strand). Cytogenetic location: 17q25.3.
Variant type: single nucleotide variant.
Coding change: c.2382C>G on transcript NM_001366385.1 (MANE Select); coding-DNA position 2382, C replaced by G.
Protein change: p.Asp794Glu; replaces aspartic acid 794 with glutamic acid.
Molecular consequence: missense variant. On other transcripts: non-coding transcript variant (1).
Genome position (GRCh38, 1-based): chr17:80,204,325, C>G. VCF-style: chr17-80204325-C-G. GRCh37 (hg19) VCF-style: chr17-78178124-C-G.
Other names: c.2382C>G, p.Asp794Glu (NM_024110.4); short protein forms D794E.
Identifiers: ClinVar variation 2927299 (VCV002927299.3), dbSNP rs141954518, ClinGen allele CA8817287.